The following is an entry in ClinVar:

ClinVar aggregate classification (germline): Uncertain significance. Review status: criteria provided, multiple submitters, no conflicts (2 of 4 stars). 2 submissions from 2 submitters: Uncertain significance (2). Last evaluated 2025-03-30.

Allele frequency attached by ClinVar (database versions not stated): gnomAD 0.00001.

Submissions (2):

Ambry Genetics
Classification: Uncertain significance. Last evaluated: 2025-03-30. Review status: criteria provided, single submitter. Criteria: Ambry Variant Classification Scheme 2023. Collection method: clinical testing. Allele origin: germline.

Labcorp Genetics (formerly Invitae), Labcorp
Classification: Uncertain significance. Last evaluated: 2022-06-13. Review status: criteria provided, single submitter. Criteria: Invitae Variant Classification Sherloc (09022015). Collection method: clinical testing. Allele origin: germline.
Comment: This sequence change replaces proline, which is neutral and non-polar, with alanine, which is neutral and non-polar, at codon 625 of the RUSC2 protein (p.Pro625Ala). This variant is present in population databases (no rsID available, gnomAD 0.004%). This variant has not been reported in the literature in individuals affected with RUSC2-related conditions. Algorithms developed to predict the effect of missense changes on protein structure and function (SIFT, PolyPhen-2, Align-GVGD) all suggest that this variant is likely to be tolerated. In summary, the available evidence is currently insufficient to determine the role of this variant in disease. Therefore, it has been classified as a Variant of Uncertain Significance.

NM_014806.5(RUSC2):c.1873C>G (p.Pro625Ala)

Gene: RUSC2 (RUN and SH3 domain containing 2; plus strand). Cytogenetic location: 9p13.3.
Variant type: single nucleotide variant.
Coding change: c.1873C>G on transcript NM_014806.5 (MANE Select); coding-DNA position 1873, C replaced by G.
Protein change: p.Pro625Ala; replaces proline 625 with alanine.
Molecular consequence: missense variant. On other transcripts: intron variant (1).
Genome position (GRCh38, 1-based): chr9:35,548,394, C>G. VCF-style: chr9-35548394-C-G. GRCh37 (hg19) VCF-style: chr9-35548391-C-G.
Other names: c.1873C>G, p.Pro625Ala (NM_001135999.2); c.-620-6666C>G (NM_001330740.2); c.1873C>G (NM_001135999.1); short protein forms P625A.
Identifiers: ClinVar variation 2063706 (VCV002063706.2), dbSNP rs1158174702, ClinGen allele CA373336428.
Genomic context (GRCh38, chr9:35,548,394, plus strand): 5'-GGCATGGACCTACTTGGCCCAGACCCAAGTCCACCCTGGTCCACCCAGGTCTGTCAGGGA[C>G]CCCACTCCAGTGAGATGCCTCCTGCTGGCCTCAGAGCTACTGGGCAAGGCCCCCTGGCTC-3'
Protein context (NP_055621.2, residues 615-635): PPWSTQVCQG[Pro625Ala]HSSEMPPAGL